The following is an entry in ClinVar:

NM_001540.5(HSPB1):c.167G>A (p.Arg56His)

Gene: HSPB1 (heat shock protein family B (small) member 1; plus strand). Cytogenetic location: 7q11.23.
Variant type: single nucleotide variant.
Coding change: c.167G>A on transcript NM_001540.5 (MANE Select); coding-DNA position 167, G replaced by A.
Protein change: p.Arg56His; replaces arginine 56 with histidine.
Molecular consequence: missense variant.
Genome position (GRCh38, 1-based): chr7:76,302,879, G>A. VCF-style: chr7-76302879-G-A. GRCh37 (hg19) VCF-style: chr7-75932196-G-A.
Other names: short protein forms R56H.
Identifiers: ClinVar variation 4750297 (VCV004750297.1).
Genomic context (GRCh38, chr7:76,302,879, plus strand): 5'-CCCGGCTGCCGGAGGAGTGGTCGCAGTGGTTAGGCGGCAGCAGCTGGCCAGGCTACGTGC[G>A]CCCCCTGCCCCCCGCCGCCATCGAGAGCCCCGCAGTGGCCGCGCCCGCCTACAGCCGCGC-3'
Protein context (NP_001531.1, residues 46-66): LGGSSWPGYV[Arg56His]PLPPAAIESP

ClinVar aggregate classification (germline): Uncertain significance (1 of 4 stars; one submission).

Conditions:
Charcot-Marie-Tooth disease axonal type 2F (CMT2F). Also called: CHARCOT-MARIE-TOOTH DISEASE, NEURONAL, TYPE 2F; Charcot-Marie-Tooth Neuropathy Type 2F. Identifiers: Orphanet 99940, MedGen C1847823, MONDO:0011687, OMIM 606595.

Submission:

Labcorp Genetics (formerly Invitae), Labcorp
Classification: Uncertain significance for Charcot-Marie-Tooth disease axonal type 2F. Last evaluated: 2025-08-04. Review status: criteria provided, single submitter. Criteria: Invitae Variant Classification Sherloc (09022015). Collection method: clinical testing. Allele origin: germline.
Comment: This sequence change replaces arginine, which is basic and polar, with histidine, which is basic and polar, at codon 56 of the HSPB1 protein (p.Arg56His). This variant is present in population databases (no rsID available, gnomAD 0.006%). This variant has not been reported in the literature in individuals affected with HSPB1-related conditions. Invitae Evidence Modeling of protein sequence and biophysical properties (such as structural, functional, and spatial information, amino acid conservation, physicochemical variation, residue mobility, and thermodynamic stability) has been performed for this missense variant. However, the output from this modeling did not meet the statistical confidence thresholds required to predict the impact of this variant on HSPB1 protein function. In summary, the available evidence is currently insufficient to determine the role of this variant in disease. Therefore, it has been classified as a Variant of Uncertain Significance.